The following is an entry in ClinVar:

NM_001744.6(CAMK4):c.897G>A (p.Trp299Ter)

Gene: CAMK4 (calcium/calmodulin dependent protein kinase IV; plus strand). Cytogenetic location: 5q22.1.
Variant type: single nucleotide variant.
Coding change: c.897G>A on transcript NM_001744.6 (MANE Select); coding-DNA position 897, G replaced by A.
Protein change: p.Trp299Ter; replaces tryptophan 299 with a stop codon.
Molecular consequence: nonsense.
Genome position (GRCh38, 1-based): chr5:111,482,853, G>A. VCF-style: chr5-111482853-G-A. GRCh37 (hg19) VCF-style: chr5-110818551-G-A.
Other names: c.897G>A, p.Trp299Ter (NM_001323374.2, NM_001323375.2); c.306G>A, p.Trp102Ter (NM_001323376.2, NM_001323377.2); short protein forms W102*, W299*.
Identifiers: ClinVar variation 3765911 (VCV003765911.1).

ClinVar aggregate classification (germline): Uncertain significance (1 of 4 stars; one submission).

Submission:

GeneDx
Classification: Uncertain significance. Last evaluated: 2024-09-03. Review status: criteria provided, single submitter. Criteria: GeneDx Variant Classification Process June 2021. Collection method: clinical testing. Allele origin: germline. Affected: yes.
Comment: Not observed at significant frequency in large population cohorts (gnomAD); Nonsense variant predicted to result in protein truncation or nonsense mediated decay in a gene or region of a gene for which loss of function is not a well-established mechanism of disease; Has not been previously published as pathogenic or benign to our knowledge